The following is an entry in ClinVar:

NM_004991.4(MECOM):c.2921A>G (p.Lys974Arg)

Gene: MECOM (MDS1 and EVI1 complex locus; minus strand). Cytogenetic location: 3q26.2.
Variant type: single nucleotide variant.
Coding change: c.2921A>G on transcript NM_004991.4 (MANE Select); coding-DNA position 2921, A replaced by G.
Protein change: p.Lys974Arg; replaces lysine 974 with arginine.
Molecular consequence: missense variant.
Genome position (GRCh38, 1-based): chr3:169,095,174, T>C on the plus strand (A>G on the coding strand, the complement: MECOM is on the minus strand). VCF-style: chr3-169095174-T-C. GRCh37 (hg19) VCF-style: chr3-168812962-T-C.
Other names: c.2330A>G, p.Lys777Arg (NM_001366472.2, NM_001366471.2, NM_001164000.2); c.1922A>G, p.Lys641Arg (NM_001366473.2); c.1358A>G, p.Lys453Arg (NM_001366474.2); c.2357A>G, p.Lys786Arg (NM_005241.4, NM_001366469.2, NM_001105078.4 and 1 more transcripts); c.2360A>G, p.Lys787Arg (NM_001366467.2, NM_001366468.2); c.2333A>G, p.Lys778Arg (NM_001366470.2, NM_001163999.2); c.2552A>G, p.Lys851Arg (NM_001105077.4); c.2894A>G, p.Lys965Arg (NM_001366466.2); short protein forms K641R, K974R, K851R, K453R, K777R, K778R, K786R, K787R.
Identifiers: ClinVar variation 4624633 (VCV004624633.1).
Genomic context (GRCh38, chr3:169,095,174, plus strand): 5'-TCTAAATTGGTTTGTTGACCAAAACACCTATCACATAAGTGACACTTAAATGGCTTCTCT[T>C]TATTGTGGATGTTGCGAACATGCCTTTGCAAGTTAGAAGATATGCTAAATGATCTGTCAC-3'
Protein context (NP_004982.2, residues 964-984): LQRHVRNIHN[Lys974Arg]EKPFKCHLCD

ClinVar aggregate classification (germline): Uncertain significance (1 of 4 stars; one submission).

Conditions:
Inborn genetic diseases. Identifiers: MedGen C0950123, MeSH D030342.

Submission:

Ambry Genetics
Classification: Uncertain significance for Inborn genetic diseases. Last evaluated: 2025-10-10. Review status: criteria provided, single submitter. Criteria: Ambry Variant Classification Scheme 2023. Collection method: clinical testing. Allele origin: germline.
Comment: The p.K974R variant (also known as c.2921A>G), located in coding exon 13 of the MECOM gene, results from an A to G substitution at nucleotide position 2921. The lysine at codon 974 is replaced by arginine, an amino acid with highly similar properties. This amino acid position is conserved. In addition, this alteration is predicted to be tolerated by in silico analysis. Based on the available evidence, the clinical significance of this variant remains unclear.